The following is an entry in ClinVar:

ClinVar aggregate classification (germline): Uncertain significance. Review status: criteria provided, multiple submitters, no conflicts (2 of 4 stars). 3 submissions from 3 submitters: Uncertain significance (3). Last evaluated 2025-09-01.

Conditions:
Tumoral calcinosis, hyperphosphatemic, familial, 2. Identifiers: MedGen C4693863, MONDO:0060714, OMIM 617993.
Autosomal dominant hypophosphatemic rickets (ADHR). Also called: VITAMIN D-RESISTANT RICKETS, AUTOSOMAL DOMINANT; HYPOPHOSPHATEMIA, AUTOSOMAL DOMINANT. Identifiers: Orphanet 89937, MedGen C0342642, MONDO:0008660, OMIM 193100.
Inborn genetic diseases. Identifiers: MedGen C0950123, MeSH D030342.

Allele frequency attached by ClinVar (database versions not stated): ExAC 0.00003; gnomAD 0.00003 and 0.00004; gnomAD exomes 0.00003.
gnomAD v4.1: 58 of 1,612,828 alleles (0.0036%); highest among the groups gnomAD compares: African/African-American, 0.0053%; no homozygotes.

Submissions (3):

Labcorp Genetics (formerly Invitae), Labcorp
Classification: Uncertain significance. Last evaluated: 2025-09-01. Review status: criteria provided, single submitter. Criteria: Invitae Variant Classification Sherloc (09022015). Collection method: clinical testing. Allele origin: germline.
Comment: This sequence change replaces serine, which is neutral and polar, with arginine, which is basic and polar, at codon 212 of the FGF23 protein (p.Ser212Arg). This variant is present in population databases (rs749770315, gnomAD 0.005%). This variant has not been reported in the literature in individuals affected with FGF23-related conditions. ClinVar contains an entry for this variant (Variation ID: 1504076). Invitae Evidence Modeling of protein sequence and biophysical properties (such as structural, functional, and spatial information, amino acid conservation, physicochemical variation, residue mobility, and thermodynamic stability) has been performed for this missense variant. However, the output from this modeling did not meet the statistical confidence thresholds required to predict the impact of this variant on FGF23 protein function. In summary, the available evidence is currently insufficient to determine the role of this variant in disease. Therefore, it has been classified as a Variant of Uncertain Significance.

Fulgent Genetics
Classification: Uncertain significance for Autosomal dominant hypophosphatemic rickets; Tumoral calcinosis, hyperphosphatemic, familial, 2. Last evaluated: 2024-02-22. Review status: criteria provided, single submitter. Criteria: ACMG Guidelines, 2015. Collection method: clinical testing. Allele origin: germline.

Ambry Genetics
Classification: Uncertain significance for Inborn genetic diseases. Last evaluated: 2021-06-22. Review status: criteria provided, single submitter. Criteria: Ambry Variant Classification Scheme 2023. Collection method: clinical testing. Allele origin: germline.

NM_020638.3(FGF23):c.636C>A (p.Ser212Arg)

Gene: FGF23 (fibroblast growth factor 23; minus strand). Cytogenetic location: 12p13.32.
Variant type: single nucleotide variant.
Coding change: c.636C>A on transcript NM_020638.3 (MANE Select); coding-DNA position 636, C replaced by A.
Protein change: p.Ser212Arg; replaces serine 212 with arginine.
Molecular consequence: missense variant.
Genome position (GRCh38, 1-based): chr12:4,370,463, G>T on the plus strand (C>A on the coding strand, the complement: FGF23 is on the minus strand). VCF-style: chr12-4370463-G-T. GRCh37 (hg19) VCF-style: chr12-4479629-G-T.
Other names: c.636C>A (NM_020638.2); short protein forms S212R.
Identifiers: ClinVar variation 1504076 (VCV001504076.11), dbSNP rs749770315, ClinGen allele CA6395632.